The following is an entry in ClinVar:

NM_000814.6(GABRB3):c.758C>T (p.Pro253Leu)

Gene: GABRB3 (gamma-aminobutyric acid type A receptor subunit beta3; minus strand). Cytogenetic location: 15q12.
Variant type: single nucleotide variant.
Coding change: c.758C>T on transcript NM_000814.6 (MANE Select); coding-DNA position 758, C replaced by T.
Protein change: p.Pro253Leu; replaces proline 253 with leucine.
Molecular consequence: missense variant.
Genome position (GRCh38, 1-based): chr15:26,567,658, G>A on the plus strand (C>T on the coding strand, the complement: GABRB3 is on the minus strand). VCF-style: chr15-26567658-G-A. GRCh37 (hg19) VCF-style: chr15-26812805-G-A.
Other names: c.503C>T, p.Pro168Leu (NM_001191320.2, NM_001278631.2); c.545C>T, p.Pro182Leu (NM_001191321.3); c.758C>T, p.Pro253Leu (NM_021912.5); short protein forms P253L, P182L, P168L.
Identifiers: ClinVar variation 423595 (VCV000423595.4), dbSNP rs1064796514, ClinGen allele CA16619911.

ClinVar aggregate classification (germline): Pathogenic/Likely pathogenic. Review status: criteria provided, multiple submitters, no conflicts (2 of 4 stars). 2 submissions from 2 submitters: Pathogenic (1); Likely pathogenic (1). Last evaluated 2024-08-28.

Conditions:
Developmental and epileptic encephalopathy, 43 (DEE43). Also called: Epileptic encephalopathy, early infantile, 43. Identifiers: MedGen C4310712, MONDO:0014921, OMIM 617113.

Submissions (2):

GeneDx
Classification: Pathogenic. Last evaluated: 2024-08-28. Review status: criteria provided, single submitter. Criteria: GeneDx Variant Classification Process June 2021. Collection method: clinical testing. Allele origin: germline. Affected: yes.
Comment: Not observed at significant frequency in large population cohorts (gnomAD); In silico analysis supports that this missense variant has a deleterious effect on protein structure/function; This variant is associated with the following publications: (PMID: 28053010)

Cytogénomique, Hospices Civils de Lyon
Classification: Likely pathogenic for Developmental and epileptic encephalopathy, 43. Last evaluated: 2015-12-14. Review status: criteria provided, single submitter. Criteria: ACMG Guidelines, 2015. Collection method: clinical testing. Allele origin: somatic. Inheritance: Somatic mutation. Affected: yes.